The following is an entry in ClinVar:

ClinVar aggregate classification (germline): Benign/Likely benign. Review status: criteria provided, multiple submitters, no conflicts (2 of 4 stars). 5 submissions from 5 submitters: Benign (3); Likely benign (2). Last evaluated 2026-01-06.

Conditions:
Renal hypomagnesemia 4. Also called: HYPOMAGNESEMIA, RENAL, NORMOCALCIURIC. Identifiers: Orphanet 34527, MedGen C2673648, MONDO:0012717, OMIM 611718.

Allele frequency attached by ClinVar (database versions not stated): gnomAD exomes 0.00045; ESP Exome Variant Server 0.00454; 1000 Genomes Project 0.00499; gnomAD 0.00512 and 0.00553; 1000 Genomes Project 30x 0.00531; TOPMed 0.00569.
gnomAD v4.1: 1,480 of 1,614,120 alleles (0.092%); highest among the groups gnomAD compares: African/African-American, 1.8%; 14 homozygotes.

Submissions (5):

Labcorp Genetics (formerly Invitae), Labcorp
Classification: Benign. Last evaluated: 2026-01-06. Review status: criteria provided, single submitter. Criteria: Invitae Variant Classification Sherloc (09022015). Collection method: clinical testing. Allele origin: germline.

Blueprint Genetics
Classification: Likely benign. Last evaluated: 2024-11-14. Review status: criteria provided, single submitter. Criteria: ACMG Guidelines, 2015. Collection method: clinical testing. Allele origin: germline.

GeneDx
Classification: Likely benign. Last evaluated: 2022-08-25. Review status: criteria provided, single submitter. Criteria: GeneDx Variant Classification Process June 2021. Collection method: clinical testing. Allele origin: germline.
Comment: See Variant Classification Assertion Criteria.

Illumina Laboratory Services, Illumina
Classification: Benign for Renal hypomagnesemia 4. Last evaluated: 2018-01-13. Review status: criteria provided, single submitter. Criteria: ICSL Variant Classification Criteria 13 December 2019. Collection method: clinical testing. Allele origin: germline.
Comment: This variant was observed in the ICSL laboratory as part of a predisposition screen in an ostensibly healthy population. It had not been previously curated by ICSL or reported in the Human Gene Mutation Database (HGMD: prior to June 1st, 2018), and was therefore a candidate for classification through an automated scoring system. Utilizing variant allele frequency, disease prevalence and penetrance estimates, and inheritance mode, an automated score was calculated to assess if this variant is too frequent to cause the disease. Based on the score and internal cut-off values, a variant classified as benign is not then subjected to further curation. The score for this variant resulted in a classification of benign for this disease.

Breakthrough Genomics
Classification: Benign. Review status: criteria provided, single submitter. Criteria: ACMG Guidelines, 2015. Collection method: not provided. Allele origin: germline. Inheritance: Autosomal recessive inheritance. Affected: yes.

NM_001963.6(EGF):c.875T>A (p.Leu292His)

Gene: EGF (epidermal growth factor; plus strand). Cytogenetic location: 4q25.
Variant type: single nucleotide variant.
Coding change: c.875T>A on transcript NM_001963.6 (MANE Select); coding-DNA position 875, T replaced by A.
Protein change: p.Leu292His; replaces leucine 292 with histidine.
Molecular consequence: missense variant.
Genome position (GRCh38, 1-based): chr4:109,945,210, T>A. VCF-style: chr4-109945210-T-A. GRCh37 (hg19) VCF-style: chr4-110866366-T-A.
Other names: c.875T>A, p.Leu292His (NM_001178130.3, NM_001178131.3, NM_001357021.2); short protein forms L292H.
Identifiers: ClinVar variation 709736 (VCV000709736.16), dbSNP rs35191533, ClinGen allele CA3043505.